The following is an entry in ClinVar:

ClinVar aggregate classification (germline): Uncertain significance. Review status: criteria provided, multiple submitters, no conflicts (2 of 4 stars). 3 submissions from 3 submitters: Uncertain significance (3). Last evaluated 2025-05-21.

Conditions:
Inborn genetic diseases. Identifiers: MedGen C0950123, MeSH D030342.
Brown-Vialetto-van Laere syndrome 1. Also called: BROWN-VIALETTO-VAN LAERE SYNDROME 1, MILD; BULBAR PALSY, PROGRESSIVE, WITH SENSORINEURAL DEAFNESS; PONTOBULBAR PALSY WITH DEAFNESS. Identifiers: Orphanet 572550, Orphanet 97229, MedGen C0796274, MONDO:0024537, OMIM 211530.

Allele frequency attached by ClinVar (database versions not stated): gnomAD 0.00003 and 0.00004; gnomAD exomes 0.00001 and 0.00007; TOPMed 0.00003.
gnomAD v4.1: 101 of 1,614,036 alleles (0.0063%); highest among the groups gnomAD compares: Non-Finnish European, 0.0083%; no homozygotes.

Submissions (3):

GeneDx
Classification: Uncertain significance. Last evaluated: 2025-05-21. Review status: criteria provided, single submitter. Criteria: GeneDx Variant Classification Process June 2021. Collection method: clinical testing. Allele origin: germline. Affected: yes.
Comment: Not observed at significant frequency in large population cohorts (gnomAD); In silico analysis suggests that this missense variant does not alter protein structure/function; Has not been previously published as pathogenic or benign to our knowledge

Labcorp Genetics (formerly Invitae), Labcorp
Classification: Uncertain significance for Brown-Vialetto-van Laere syndrome 1. Last evaluated: 2022-10-05. Review status: criteria provided, single submitter. Criteria: Invitae Variant Classification Sherloc (09022015). Collection method: clinical testing. Allele origin: germline.
Comment: This sequence change replaces valine, which is neutral and non-polar, with isoleucine, which is neutral and non-polar, at codon 332 of the SLC52A3 protein (p.Val332Ile). This variant is present in population databases (no rsID available, gnomAD 0.003%). This variant has not been reported in the literature in individuals affected with SLC52A3-related conditions. ClinVar contains an entry for this variant (Variation ID: 476621). Advanced modeling of protein sequence and biophysical properties (such as structural, functional, and spatial information, amino acid conservation, physicochemical variation, residue mobility, and thermodynamic stability) performed at Invitae indicates that this missense variant is not expected to disrupt SLC52A3 protein function. In summary, the available evidence is currently insufficient to determine the role of this variant in disease. Therefore, it has been classified as a Variant of Uncertain Significance.

Ambry Genetics
Classification: Uncertain significance for Inborn genetic diseases. Last evaluated: 2022-09-22. Review status: criteria provided, single submitter. Criteria: Ambry Variant Classification Scheme 2023. Collection method: clinical testing. Allele origin: germline.
Comment: The p.V332I variant (also known as c.994G>A), located in coding exon 2 of the SLC52A3 gene, results from a G to A substitution at nucleotide position 994. The valine at codon 332 is replaced by isoleucine, an amino acid with highly similar properties. This amino acid position is not well conserved in available vertebrate species. In addition, this alteration is predicted to be tolerated by in silico analysis. Since supporting evidence is limited at this time, the clinical significance of this alteration remains unclear.

NM_033409.4(SLC52A3):c.994G>A (p.Val332Ile)

Gene: SLC52A3 (solute carrier family 52 member 3; minus strand). Cytogenetic location: 20p13.
Variant type: single nucleotide variant.
Coding change: c.994G>A on transcript NM_033409.4 (MANE Select); coding-DNA position 994, G replaced by A.
Protein change: p.Val332Ile; replaces valine 332 with isoleucine.
Molecular consequence: missense variant.
Genome position (GRCh38, 1-based): chr20:763,577, C>T on the plus strand (G>A on the coding strand, the complement: SLC52A3 is on the minus strand). VCF-style: chr20-763577-C-T. GRCh37 (hg19) VCF-style: chr20-744221-C-T.
Other names: c.994G>A, p.Val332Ile (NM_001370085.1, NM_001370086.1); short protein forms V332I.
Identifiers: ClinVar variation 476621 (VCV000476621.10), dbSNP rs890765839, ClinGen allele CA310676999.